The following is an entry in ClinVar:

ClinVar aggregate classification (germline): Uncertain significance (1 of 4 stars; one submission).

Submission:

Labcorp Genetics (formerly Invitae), Labcorp
Classification: Uncertain significance. Last evaluated: 2025-07-13. Review status: criteria provided, single submitter. Criteria: Invitae Variant Classification Sherloc (09022015). Collection method: clinical testing. Allele origin: germline.
Comment: This sequence change creates a premature translational stop signal (p.Glu850*) in the ARHGEF10 gene. It is expected to result in an absent or disrupted protein product. However, the current clinical and genetic evidence is not sufficient to establish whether loss-of-function variants in ARHGEF10 cause disease. This variant is not present in population databases (gnomAD no frequency). This variant has not been reported in the literature in individuals affected with ARHGEF10-related conditions. In summary, the available evidence is currently insufficient to determine the role of this variant in disease. Therefore, it has been classified as a Variant of Uncertain Significance.

NM_014629.4(ARHGEF10):c.2548G>T (p.Glu850Ter)

Gene: ARHGEF10 (Rho guanine nucleotide exchange factor 10; plus strand). Cytogenetic location: 8p23.3.
Variant type: single nucleotide variant.
Coding change: c.2548G>T on transcript NM_014629.4 (MANE Select); coding-DNA position 2548, G replaced by T.
Protein change: p.Glu850Ter; replaces glutamic acid 850 with a stop codon.
Molecular consequence: nonsense.
Genome position (GRCh38, 1-based): chr8:1,925,342, G>T. VCF-style: chr8-1925342-G-T. GRCh37 (hg19) VCF-style: chr8-1873508-G-T.
Other names: c.2434G>T, p.Glu812Ter (NM_001308152.2, NM_001438094.1); c.2548G>T, p.Glu850Ter (NM_001308153.3); c.2551G>T, p.Glu851Ter (NM_001438091.1); c.2431G>T, p.Glu811Ter (NM_001438092.1, NM_001438093.1); short protein forms E811*, E850*, E812*, E851*, E874*.
Identifiers: ClinVar variation 4722442 (VCV004722442.1).